The following is an entry in ClinVar:

NM_022114.4(PRDM16):c.2618G>T (p.Arg873Leu)

Gene: PRDM16 (PR/SET domain 16; plus strand). Cytogenetic location: 1p36.32.
Variant type: single nucleotide variant.
Coding change: c.2618G>T on transcript NM_022114.4 (MANE Select); coding-DNA position 2618, G replaced by T.
Protein change: p.Arg873Leu; replaces arginine 873 with leucine.
Molecular consequence: missense variant.
Genome position (GRCh38, 1-based): chr1:3,414,574, G>T. VCF-style: chr1-3414574-G-T. GRCh37 (hg19) VCF-style: chr1-3331138-G-T.
Other names: c.2618G>T, p.Arg873Leu (NM_199454.3); short protein forms R873L.
Identifiers: ClinVar variation 3646145 (VCV003646145.2).
Genomic context (GRCh38, chr1:3,414,574, plus strand): 5'-GGCGGGCGGCTCGGTGGGGTACGTAACCCTCTGTGCTGTTGTCCAGCAGGGTAGAAAAGC[G>T]GAAGGTCACAGACCCCGTGGGAGCCCTGAAGGAGAAGTACCTGCGGCCGTCCCCGCTGCT-3'
Protein context (NP_071397.3, residues 863-883): MDPIYSRVEK[Arg873Leu]KVTDPVGALK

ClinVar aggregate classification (germline): Uncertain significance (1 of 4 stars; one submission).

Conditions:
Left ventricular noncompaction 8 (LVNC8). Identifiers: Orphanet 154, Orphanet 54260, MedGen C3809288, MONDO:0014152, OMIM 615373.

Submission:

Labcorp Genetics (formerly Invitae), Labcorp
Classification: Uncertain significance for Left ventricular noncompaction 8. Last evaluated: 2024-03-16. Review status: criteria provided, single submitter. Criteria: Invitae Variant Classification Sherloc (09022015). Collection method: clinical testing. Allele origin: germline.
Comment: This sequence change replaces arginine, which is basic and polar, with leucine, which is neutral and non-polar, at codon 873 of the PRDM16 protein (p.Arg873Leu). This variant is not present in population databases (gnomAD no frequency). This variant has not been reported in the literature in individuals affected with PRDM16-related conditions. An algorithm developed to predict the effect of missense changes on protein structure and function (PolyPhen-2) suggests that this variant is likely to be disruptive. In summary, the available evidence is currently insufficient to determine the role of this variant in disease. Therefore, it has been classified as a Variant of Uncertain Significance.